The following is an entry in ClinVar:

ClinVar aggregate classification (germline): Likely benign (1 of 4 stars; one submission).

Allele frequency attached by ClinVar (database versions not stated): ExAC 0.00462.

Submission:

CeGaT Center for Human Genetics Tuebingen
Classification: Likely benign. Last evaluated: 2026-09-01. Review status: criteria provided, single submitter. Criteria: CeGaT Center For Human Genetics Tuebingen Variant Classification Criteria Version 2. Collection method: clinical testing. Allele origin: germline. Affected: yes. Observed: 3 variant alleles.
Comment: PLIN4: BP4, BP7

NM_001367868.2(PLIN4):c.2292T>C (p.Asp764=)

Gene: PLIN4 (perilipin 4; minus strand). Cytogenetic location: 19p13.3.
Variant type: single nucleotide variant.
Coding change: c.2292T>C on transcript NM_001367868.2 (MANE Select); coding-DNA position 2292, T replaced by C.
Protein change: p.Asp764=; no amino-acid change (aspartic acid 764 retained).
Molecular consequence: synonymous variant.
Genome position (GRCh38, 1-based): chr19:4,511,668, A>G on the plus strand (T>C on the coding strand, the complement: PLIN4 is on the minus strand). VCF-style: chr19-4511668-A-G. GRCh37 (hg19) VCF-style: chr19-4511680-A-G.
Other names: c.2295T>C, p.Asp765= (NM_001393888.1, NM_001393889.1); c.2292T>C, p.Asp764= (NM_001393890.1, NM_001393891.1).
Identifiers: ClinVar variation 2649045 (VCV002649045.24), dbSNP rs759223445, ClinGen allele CA9100235.